The following is an entry in ClinVar:

NM_001367549.1(ATP13A3):c.2367G>A (p.Trp789Ter)

Gene: ATP13A3 (ATPase 13A3; minus strand). Cytogenetic location: 3q29.
Variant type: single nucleotide variant.
Coding change: c.2367G>A on transcript NM_001367549.1 (MANE Select); coding-DNA position 2367, G replaced by A.
Protein change: p.Trp789Ter; replaces tryptophan 789 with a stop codon.
Molecular consequence: nonsense. On other transcripts: non-coding transcript variant (2).
Genome position (GRCh38, 1-based): chr3:194,431,771, C>T on the plus strand (G>A on the coding strand, the complement: ATP13A3 is on the minus strand). VCF-style: chr3-194431771-C-T. GRCh37 (hg19) VCF-style: chr3-194152500-C-T.
Other names: c.2286G>A, p.Trp762Ter (NM_001374836.1); c.2367G>A, p.Trp789Ter (NM_024524.4); short protein forms W762*, W789*.
Identifiers: ClinVar variation 3682847 (VCV003682847.2).

ClinVar aggregate classification (germline): Pathogenic (1 of 4 stars; one submission).

Submission:

Labcorp Genetics (formerly Invitae), Labcorp
Classification: Pathogenic. Last evaluated: 2024-07-17. Review status: criteria provided, single submitter. Criteria: Invitae Variant Classification Sherloc (09022015). Collection method: clinical testing. Allele origin: germline.
Comment: This sequence change creates a premature translational stop signal (p.Trp789*) in the ATP13A3 gene. It is expected to result in an absent or disrupted protein product. Loss-of-function variants in ATP13A3 are known to be pathogenic (PMID: 29650961, 34493544). This variant is not present in population databases (gnomAD no frequency). This variant has not been reported in the literature in individuals affected with ATP13A3-related conditions. For these reasons, this variant has been classified as Pathogenic.

Literature cited by the submitters: PubMed 29650961; PubMed 34493544.